The following is an entry in ClinVar:

NM_001369.3(DNAH5):c.3021G>T (p.Leu1007Phe)

Genes: DNAH5 (dynein axonemal heavy chain 5; minus strand), DNAH5-AS1 (DNAH5 antisense RNA 1; plus strand). Cytogenetic location: 5p15.2.
Variant type: single nucleotide variant.
Coding change: c.3021G>T on transcript NM_001369.3 (MANE Select); coding-DNA position 3021, G replaced by T.
Protein change: p.Leu1007Phe; replaces leucine 1007 with phenylalanine.
Molecular consequence: missense variant.
Genome position (GRCh38, 1-based): chr5:13,883,057, C>A on the plus strand (G>T on the coding strand, the complement: DNAH5 is on the minus strand). VCF-style: chr5-13883057-C-A. GRCh37 (hg19) VCF-style: chr5-13883166-C-A.
Other names: short protein forms L1007F.
Identifiers: ClinVar variation 93727 (VCV000093727.25), dbSNP rs188638970, ClinGen allele CA221686.

ClinVar aggregate classification (germline): Benign/Likely benign. Review status: criteria provided, multiple submitters, no conflicts (2 of 4 stars). 7 submissions from 7 submitters: Benign (4); Likely benign (2). 1 of the submissions does not count toward it. Last evaluated 2026-01-28.

Conditions:
Primary ciliary dyskinesia. Also called: Ciliary dyskinesia. Identifiers: Orphanet 244, MedGen C0008780, MONDO:0016575, HP:0012265.
Primary ciliary dyskinesia 3. Identifiers: Orphanet 244, MedGen C1837618, MONDO:0012085, OMIM 608644.

Allele frequency attached by ClinVar (database versions not stated): gnomAD 0.00103 and 0.00109; TOPMed 0.00243; ExAC 0.00297; 1000 Genomes Project 0.00379; 1000 Genomes Project 30x 0.00422; ESP Exome Variant Server 0.00015; gnomAD exomes 0.00075 and 0.00356.
gnomAD v4.1: 1,254 of 1,614,110 alleles (0.078%); highest among the groups gnomAD compares: Admixed American, 2%; 18 homozygotes.

Submissions (7):

Labcorp Genetics (formerly Invitae), Labcorp
Classification: Benign for Primary ciliary dyskinesia. Last evaluated: 2026-01-28. Review status: criteria provided, single submitter. Criteria: Invitae Variant Classification Sherloc (09022015). Collection method: clinical testing. Allele origin: germline.

GeneDx
Classification: Likely benign. Last evaluated: 2019-07-27. Review status: criteria provided, single submitter. Criteria: GeneDx Variant Classification Process June 2021. Collection method: clinical testing. Allele origin: germline. Affected: yes.

Illumina Laboratory Services, Illumina
Classification: Likely benign for Primary ciliary dyskinesia 3. Last evaluated: 2018-01-12. Review status: criteria provided, single submitter. Criteria: ICSL Variant Classification Criteria 13 December 2019. Collection method: clinical testing. Allele origin: germline.
Comment: This variant was observed in the ICSL laboratory as part of a predisposition screen in an ostensibly healthy population. It had not been previously curated by ICSL or reported in the Human Gene Mutation Database (HGMD: prior to June 1st, 2018), and was therefore a candidate for classification through an automated scoring system. Utilizing variant allele frequency, disease prevalence and penetrance estimates, and inheritance mode, an automated score was calculated to assess if this variant is too frequent to cause the disease. Based on the score and internal cut-off values, a variant classified as likely benign is not then subjected to further curation. The score for this variant resulted in a classification of likely benign for this disease.

Eurofins Ntd Llc (ga)
Classification: Benign. Last evaluated: 2017-02-07. Review status: criteria provided, single submitter. Criteria: EGL Classification Definitions 2015. Collection method: clinical testing. Allele origin: germline. Observed: 1 variant allele, 1 heterozygote.

Ambry Genetics
Classification: Benign for Primary ciliary dyskinesia. Last evaluated: 2015-08-10. Review status: criteria provided, single submitter. Criteria: Ambry Variant Classification Scheme 2023. Collection method: clinical testing. Allele origin: germline.

PreventionGenetics, part of Exact Sciences
Classification: Benign. Review status: criteria provided, single submitter. Criteria: ACMG Guidelines, 2015. Collection method: clinical testing. Allele origin: germline.

Natera, Inc.
Classification: Benign for Primary ciliary dyskinesia. Last evaluated: 2020-09-16. Review status: no assertion criteria provided. Collection method: clinical testing. Allele origin: germline. Not counted in ClinVar's aggregate classification.